The following is an entry in ClinVar:

ClinVar aggregate classification (germline): Conflicting classifications of pathogenicity. Review status: criteria provided, conflicting classifications (1 of 4 stars). 4 submissions from 4 submitters: Uncertain significance (1); Likely benign (3). Last evaluated 2025-06-30.

Conditions:
Brugada syndrome 4 (BRGDA4). Identifiers: Orphanet 130, MedGen C2678477, MONDO:0012743, OMIM 611876.
CACNB2-related disorder. Also called: CACNB2-related condition.

Allele frequency attached by ClinVar (database versions not stated): gnomAD 0.00011 and 0.00013; TOPMed 0.00011; ESP Exome Variant Server 0.00008; gnomAD exomes 0.00020 and 0.00023; ExAC 0.00068.
gnomAD v4.1: 309 of 1,602,016 alleles (0.019%); highest among the groups gnomAD compares: Non-Finnish European, 0.023%; 2 homozygotes.

Submissions (4):

PreventionGenetics, part of Exact Sciences
Classification: Likely benign for CACNB2-related condition. Last evaluated: 2025-06-30. Review status: criteria provided, single submitter. Criteria: ACMG Guidelines, 2015. Collection method: clinical testing. Allele origin: germline.
Comment: This variant is classified as likely benign based on ACMG/AMP sequence variant interpretation guidelines (Richards et al. 2015 PMID: 25741868, with internal and published modifications).

GeneDx
Classification: Uncertain significance. Last evaluated: 2024-10-14. Review status: criteria provided, single submitter. Criteria: GeneDx Variant Classification Process June 2021. Collection method: clinical testing. Allele origin: germline. Affected: yes.
Comment: Has not been previously published as pathogenic or benign to our knowledge; In silico analysis supports that this variant does not alter splicing; Variants in candidate genes are classified as variants of uncertain significance in accordance with ACMG guidelines (PMID: 25741868); Reported using an alternate transcript of the gene

Blueprint Genetics
Classification: Likely benign. Last evaluated: 2024-04-15. Review status: criteria provided, single submitter. Criteria: ACMG Guidelines, 2015. Collection method: clinical testing. Allele origin: germline.

Fulgent Genetics
Classification: Likely benign for Brugada syndrome 4. Last evaluated: 2021-08-09. Review status: criteria provided, single submitter. Criteria: ACMG Guidelines, 2015. Collection method: clinical testing. Allele origin: unknown.

NM_201596.3(CACNB2):c.102G>T (p.Ala34=)

Gene: CACNB2 (calcium voltage-gated channel auxiliary subunit beta 2; plus strand). Cytogenetic location: 10p12.33.
Variant type: single nucleotide variant.
Coding change: c.102G>T on transcript NM_201596.3 (MANE Select); coding-DNA position 102, G replaced by T.
Protein change: p.Ala34=; no amino-acid change (alanine 34 retained).
Molecular consequence: synonymous variant. On other transcripts: 5 prime UTR variant (3).
Genome position (GRCh38, 1-based): chr10:18,140,838, G>T. VCF-style: chr10-18140838-G-T. GRCh37 (hg19) VCF-style: chr10-18429767-G-T.
Other names: c.102G>T (NM_201596.2); c.-342G>T (NM_001167945.2, NM_201571.4, NM_201572.4); c.102G>T, p.Ala34= (NM_201593.3, NM_201597.3).
Identifiers: ClinVar variation 383672 (VCV000383672.10), dbSNP rs370839320, ClinGen allele CA5429345.